The following is an entry in ClinVar:

ClinVar aggregate classification (germline): Uncertain significance (1 of 4 stars; one submission).

Submission:

Labcorp Genetics (formerly Invitae), Labcorp
Classification: Uncertain significance. Last evaluated: 2023-10-13. Review status: criteria provided, single submitter. Criteria: Invitae Variant Classification Sherloc (09022015). Collection method: clinical testing. Allele origin: germline.
Comment: This sequence change replaces phenylalanine, which is neutral and non-polar, with leucine, which is neutral and non-polar, at codon 255 of the CLTC protein (p.Phe255Leu). This variant is not present in population databases (gnomAD no frequency). This variant has not been reported in the literature in individuals affected with CLTC-related conditions. Advanced modeling of protein sequence and biophysical properties (such as structural, functional, and spatial information, amino acid conservation, physicochemical variation, residue mobility, and thermodynamic stability) performed at Invitae indicates that this missense variant is not expected to disrupt CLTC protein function. In summary, the available evidence is currently insufficient to determine the role of this variant in disease. Therefore, it has been classified as a Variant of Uncertain Significance.

NM_004859.4(CLTC):c.751T>C (p.Phe251Leu)

Gene: CLTC (clathrin heavy chain; plus strand). Cytogenetic location: 17q23.1.
Variant type: single nucleotide variant.
Coding change: c.751T>C on transcript NM_004859.4 (MANE Select); coding-DNA position 751, T replaced by C.
Protein change: p.Phe251Leu; replaces phenylalanine 251 with leucine.
Molecular consequence: missense variant.
Genome position (GRCh38, 1-based): chr17:59,651,272, T>C. VCF-style: chr17-59651272-T-C. GRCh37 (hg19) VCF-style: chr17-57728633-T-C.
Other names: c.763T>C, p.Phe255Leu (NM_001288653.2); short protein forms F255L, F251L.
Identifiers: ClinVar variation 2836666 (VCV002836666.3), dbSNP rs2509365334, ClinGen allele CA400422284.